The following is an entry in ClinVar:

ClinVar aggregate classification (germline): Pathogenic (1 of 4 stars; one submission).

Conditions:
Autosomal recessive juvenile Parkinson disease 2. Also called: Parkinson disease, juvenile, type 2; PRKN-Related Early-Onset Parkinson Disease; PARKINSON DISEASE, JUVENILE, AUTOSOMAL RECESSIVE; Parkinson disease autosomal recessive, early onset; Juvenile parkinsonism; Parkinsonism, early onset, with diurnal fluctuation. Identifiers: Orphanet 2828, MedGen C1868675, MONDO:0010820, OMIM 600116.

Submission:

Women's Health and Genetics/Laboratory Corporation of America, LabCorp
Classification: Pathogenic for Autosomal recessive juvenile Parkinson disease 2. Last evaluated: 2024-12-31. Review status: criteria provided, single submitter. Criteria: LabCorp Variant Classification Summary - May 2015. Collection method: clinical testing. Allele origin: germline.
Comment: Variant summary: The variant involves the deletion of exon 2 in the PRKN gene. This Copy Number Variant (CNV) is expected to alter the reading frame and predicted to result in a truncation or absence of the encoded protein due to nonsense mediated decay (NMD). A presumed nomenclature of c.(7+1_8-1)_(171+1_172-1)del has been designated for the purposes of this classification. The variant allele was found at a frequency of 0.00028 in 21694 control chromosomes. c.(7+1_8-1)_(171+1_172-1)del has been reported in the literature in multiple individuals affected with Autosomal Recessive early-onset Parkinson's disease (example: Simon-Sanchez_2008, Elfferich_2011, Bravo_2018). These data indicate that the variant is very likely to be associated with disease. The following publications have been ascertained in the context of this evaluation (PMID: 17994548, 21993715, 30328284). ClinVar contains an entry for this variant (Variation ID: 2425161). Based on the evidence outlined above, the variant was classified as pathogenic.

Literature cited by the submitters: PubMed 21993715; PubMed 30328284; PubMed 17994548.

NC_000006.11:g.(162683798_162864341)_(162864506_163148693)del

Genes: PACRG (parkin coregulated; plus strand), PRKN (parkin RBR E3 ubiquitin protein ligase; minus strand). Cytogenetic location: 6q26.
Variant type: Deletion.
Identifiers: ClinVar variation 3768468 (VCV003768468.1).